The following is an entry in ClinVar:

NM_000179.3(MSH6):c.2887G>A (p.Gly963Ser)

Gene: MSH6 (mutS homolog 6; plus strand). Cytogenetic location: 2p16.3.
Variant type: single nucleotide variant.
Coding change: c.2887G>A on transcript NM_000179.3 (MANE Select); coding-DNA position 2887, G replaced by A.
Protein change: p.Gly963Ser; replaces glycine 963 with serine.
Molecular consequence: missense variant.
Genome position (GRCh38, 1-based): chr2:47,800,870, G>A. VCF-style: chr2-47800870-G-A. GRCh37 (hg19) VCF-style: chr2-48028009-G-A.
Other names: c.2497G>A, p.Gly833Ser (NM_001281492.2); c.1981G>A, p.Gly661Ser (NM_001281493.2, NM_001281494.2); short protein forms G661S, G833S, G963S.
Identifiers: ClinVar variation 1061389 (VCV001061389.12), dbSNP rs2104428845, ClinGen allele CA346756052.

ClinVar aggregate classification (germline): Uncertain significance. Review status: criteria provided, multiple submitters, no conflicts (2 of 4 stars). 2 submissions from 2 submitters: Uncertain significance (2). Last evaluated 2025-04-15.

Conditions:
Hereditary nonpolyposis colorectal neoplasms. Identifiers: MedGen C0009405, MeSH D003123.
Hereditary cancer-predisposing syndrome. Also called: Neoplastic Syndromes, Hereditary; Hereditary Cancer Syndrome; Hereditary neoplastic syndrome; Tumor predisposition. Identifiers: Orphanet 140162, MedGen C0027672, MeSH D009386, MONDO:0015356.

Submissions (2):

Ambry Genetics
Classification: Uncertain significance for Hereditary cancer-predisposing syndrome. Last evaluated: 2025-04-15. Review status: criteria provided, single submitter. Criteria: Ambry Variant Classification Scheme 2023. Collection method: clinical testing. Allele origin: germline.
Comment: The p.G963S variant (also known as c.2887G>A), located in coding exon 4 of the MSH6 gene, results from a G to A substitution at nucleotide position 2887. The glycine at codon 963 is replaced by serine, an amino acid with similar properties. This amino acid position is well conserved in available vertebrate species. In addition, the in silico prediction for this alteration is inconclusive. Based on the available evidence, the clinical significance of this variant remains unclear.

Labcorp Genetics (formerly Invitae), Labcorp
Classification: Uncertain significance for Hereditary nonpolyposis colorectal neoplasms. Last evaluated: 2020-10-01. Review status: criteria provided, single submitter. Criteria: Invitae Variant Classification Sherloc (09022015). Collection method: clinical testing. Allele origin: germline.
Comment: This variant is not present in population databases (ExAC no frequency). This sequence change replaces glycine with serine at codon 963 of the MSH6 protein (p.Gly963Ser). The glycine residue is moderately conserved and there is a small physicochemical difference between glycine and serine. This variant has not been reported in the literature in individuals with MSH6-related conditions. Advanced modeling of protein sequence and biophysical properties (such as structural, functional, and spatial information, amino acid conservation, physicochemical variation, residue mobility, and thermodynamic stability) performed at Invitae indicates that this missense variant is expected to disrupt MSH6 protein function. In summary, the available evidence is currently insufficient to determine the role of this variant in disease. Therefore, it has been classified as a Variant of Uncertain Significance.